The following is an entry in ClinVar:

NM_001372574.1(ATXN2):c.75G>A (p.Gln25=)

Genes: ATXN2 (ataxin 2; minus strand), LOC130008791 (ATAC-STARR-seq lymphoblastoid silent region 4872; plus strand). Cytogenetic location: 12q24.12.
Variant type: single nucleotide variant.
Coding change: c.75G>A on transcript NM_001372574.1 (MANE Select); coding-DNA position 75, G replaced by A.
Protein change: p.Gln25=; no amino-acid change (glutamine 25 retained).
Molecular consequence: synonymous variant. On other transcripts: non-coding transcript variant (1), intron variant (2).
Genome position (GRCh38, 1-based): chr12:111,598,960, C>T on the plus strand (G>A on the coding strand, the complement: ATXN2 is on the minus strand). VCF-style: chr12-111598960-C-T. GRCh37 (hg19) VCF-style: chr12-112036764-C-T.
Other names: c.75G>A, p.Gln25= (NM_002973.4); c.-28+615G>A (NM_001310123.1); c.-65+615G>A (NM_001310121.1).
Identifiers: ClinVar variation 4871997 (VCV004871997.2).

ClinVar aggregate classification (germline): Likely benign (1 of 4 stars; one submission).

Submission:

CeGaT Center for Human Genetics Tuebingen
Classification: Likely benign. Last evaluated: 2026-05-01. Review status: criteria provided, single submitter. Criteria: CeGaT Center For Human Genetics Tuebingen Variant Classification Criteria Version 2. Collection method: clinical testing. Allele origin: germline. Affected: yes. Observed: 1 variant allele.
Comment: ATXN2: BP4, BP7